The following is an entry in ClinVar:

ClinVar aggregate classification (germline): Uncertain significance. Review status: criteria provided, multiple submitters, no conflicts (2 of 4 stars). 2 submissions from 2 submitters: Uncertain significance (2). Last evaluated 2025-05-09.

Conditions:
CREBBP-related disorder. Also called: CREBBP-related disorders; CREBBP-related condition.

Submissions (2):

PreventionGenetics, part of Exact Sciences
Classification: Uncertain significance for CREBBP-related condition. Last evaluated: 2025-05-09. Review status: criteria provided, single submitter. Criteria: ACMG Guidelines, 2015. Collection method: clinical testing. Allele origin: germline.
Comment: The CREBBP c.5303G>A variant is predicted to result in the amino acid substitution p.Arg1768His. To our knowledge, this variant has not been reported in the literature or in a large population database, indicating this variant is rare. At this time, the clinical significance of this variant is uncertain due to the absence of conclusive functional and genetic evidence.

GeneDx
Classification: Uncertain significance. Last evaluated: 2021-02-26. Review status: criteria provided, single submitter. Criteria: GeneDx Variant Classification Process June 2021. Collection method: clinical testing. Allele origin: germline. Affected: yes.
Comment: Not observed in large population cohorts (Lek et al., 2016); In silico analysis, which includes protein predictors and evolutionary conservation, supports a deleterious effect; Has not been previously published as pathogenic or benign to our knowledge

NM_004380.3(CREBBP):c.5303G>A (p.Arg1768His)

Gene: CREBBP (CREB binding lysine acetyltransferase; minus strand). Cytogenetic location: 16p13.3.
Variant type: single nucleotide variant.
Coding change: c.5303G>A on transcript NM_004380.3 (MANE Select); coding-DNA position 5303, G replaced by A.
Protein change: p.Arg1768His; replaces arginine 1768 with histidine.
Molecular consequence: missense variant.
Genome position (GRCh38, 1-based): chr16:3,729,744, C>T on the plus strand (G>A on the coding strand, the complement: CREBBP is on the minus strand). VCF-style: chr16-3729744-C-T. GRCh37 (hg19) VCF-style: chr16-3779745-C-T.
Other names: c.5189G>A, p.Arg1730His (NM_001079846.1); short protein forms R1730H, R1768H.
Identifiers: ClinVar variation 1204801 (VCV001204801.5), dbSNP rs2151311840, ClinGen allele CA394557257.
Genomic context (GRCh38, chr16:3,729,744, plus strand): 5'-GCGTTGCGGCACTGGCACGCGTGCACCAGCGACTGGATGCAGCGCTGGATGCTCAGCCGG[C>T]GTGACTCCTGGGGGCTCTTTGACTGTGGCTCGCCCTGGCTGCTGCCCTCGTCATCCAGGC-3'
Protein context (NP_004371.2, residues 1758-1778): EPQSKSPQES[Arg1768His]RLSIQRCIQS